The following is an entry in ClinVar:

ClinVar aggregate classification (germline): Likely benign. Review status: criteria provided, single submitter (1 of 4 stars). 2 submissions from 2 submitters: Likely benign (1). 1 of the submissions does not count toward it. Last evaluated 2024-08-08.

Conditions:
Frontotemporal dementia and/or amyotrophic lateral sclerosis 7 (FTDALS7). Also called: CHMP2B-Related Frontotemporal Dementia-Amyotrophic Lateral Sclerosis; CHMP2B-related frontotemporal dementia; Amyotrophic lateral sclerosis 17; AMYOTROPHIC LATERAL SCLEROSIS, CHMP2B-RELATED. Identifiers: Orphanet 275864, Orphanet 282, Orphanet 803, MedGen C1833296, MONDO:0010936, OMIM 600795.
CHMP2B-related disorder. Also called: CHMP2B-related condition.

Allele frequency attached by ClinVar (database versions not stated): ExAC 0.00001; gnomAD exomes 0.00001; TOPMed 0.00002.
gnomAD v4.1: 15 of 1,611,510 alleles (0.00093%); highest among the groups gnomAD compares: Non-Finnish European, 0.0012%; no homozygotes.

Submissions (2):

Labcorp Genetics (formerly Invitae), Labcorp
Classification: Likely benign for Frontotemporal dementia and/or amyotrophic lateral sclerosis 7. Last evaluated: 2024-08-08. Review status: criteria provided, single submitter. Criteria: Invitae Variant Classification Sherloc (09022015). Collection method: clinical testing. Allele origin: germline.

PreventionGenetics, part of Exact Sciences
Classification: Likely benign for CHMP2B-related condition. Last evaluated: 2019-04-01. Review status: no assertion criteria provided. Collection method: clinical testing. Allele origin: germline. Not counted in ClinVar's aggregate classification.
Comment: This variant is classified as likely benign based on ACMG/AMP sequence variant interpretation guidelines (Richards et al. 2015 PMID: 25741868, with internal and published modifications).

NM_014043.4(CHMP2B):c.465C>T (p.Asp155=)

Gene: CHMP2B (charged multivesicular body protein 2B; plus strand). Cytogenetic location: 3p11.2.
Variant type: single nucleotide variant.
Coding change: c.465C>T on transcript NM_014043.4 (MANE Select); coding-DNA position 465, C replaced by T.
Protein change: p.Asp155=; no amino-acid change (aspartic acid 155 retained).
Molecular consequence: synonymous variant.
Genome position (GRCh38, 1-based): chr3:87,253,444, C>T. VCF-style: chr3-87253444-C-T. GRCh37 (hg19) VCF-style: chr3-87302594-C-T.
Other names: c.342C>T, p.Asp114= (NM_001244644.2); c.561C>T, p.Asp187= (NM_001410777.1).
Identifiers: ClinVar variation 3037318 (VCV003037318.4), dbSNP rs758354665, ClinGen allele CA2501005.
Genomic context (GRCh38, chr3:87,253,444, plus strand): 5'-CCTTCTCCCATATCCCCTAGTCAATGATACACTTGATGACATCTTTGACGGTTCTGATGA[C>T]GAAGAAGAAAGCCAGGATATTGTGAATCAAGTTCTTGATGAAATTGGAATTGAAATTTCT-3'
Protein context (NP_054762.2, residues 145-165): TLDDIFDGSD[Asp155=]EEESQDIVNQ